The following is an entry in ClinVar:

NM_000051.4(ATM):c.6900G>A (p.Trp2300Ter)

Genes: ATM (ATM serine/threonine kinase; plus strand), C11orf65 (chromosome 11 open reading frame 65; minus strand). Cytogenetic location: 11q22.3.
Variant type: single nucleotide variant.
Coding change: c.6900G>A on transcript NM_000051.4 (MANE Select); coding-DNA position 6900, G replaced by A.
Protein change: p.Trp2300Ter; replaces tryptophan 2300 with a stop codon.
Molecular consequence: nonsense. On other transcripts: intron variant (2).
Genome position (GRCh38, 1-based): chr11:108,326,150, G>A. VCF-style: chr11-108326150-G-A. GRCh37 (hg19) VCF-style: chr11-108196877-G-A.
Other names: c.6900G>A, p.Trp2300Ter (NM_001351834.2); c.641-17079C>T (NM_001330368.2); c.*38+9070C>T (NM_001351110.2); short protein forms W2300*.
Identifiers: ClinVar variation 3148112 (VCV003148112.3), dbSNP rs1591133875, ClinGen allele CA382556955.
Genomic context (GRCh38, chr11:108,326,150, plus strand): 5'-GTACAATTCAGTTAGCTGTGGAGTCTCTGAGTGGCAGCTGGAAGAAGCACAAGTATTCTG[G>A]GCAAAAAAGGAGCAGAGTCTTGCCCTGAGTATTCTCAAGCAAATGATCAAGAAGTTGGAT-3'

ClinVar aggregate classification (germline): Pathogenic. Review status: criteria provided, multiple submitters, no conflicts (2 of 4 stars). 3 submissions from 3 submitters: Pathogenic (3). Last evaluated 2025-11-15.

Conditions:
Ataxia-telangiectasia syndrome (AT). Also called: AT, COMPLEMENTATION GROUP C; Ataxia-telangiectasia, complementation group D; ATAXIA-TELANGIECTASIA, COMPLEMENTATION GROUP A; ATAXIA-TELANGIECTASIA, FRESNO VARIANT; Ataxia-telangiectasia; Ataxia-telangiectasia, complementation group E. Identifiers: Orphanet 100, MedGen C0004135, MONDO:0008840, OMIM 208900.
Familial cancer of breast. Also called: hereditary breast carcinoma; BREAST CANCER, FAMILIAL; Hereditary breast cancer. Identifiers: Orphanet 227535, MedGen C0346153, MONDO:0016419, OMIM 114480. Disease mechanism: loss of function.

Submissions (3):

Labcorp Genetics (formerly Invitae), Labcorp
Classification: Pathogenic for Ataxia-telangiectasia syndrome. Last evaluated: 2025-11-15. Review status: criteria provided, single submitter. Criteria: Invitae Variant Classification Sherloc (09022015). Collection method: clinical testing. Allele origin: germline.
Comment: This sequence change creates a premature translational stop signal (p.Trp2300*) in the ATM gene. It is expected to result in an absent or disrupted protein product. Loss-of-function variants in ATM are known to be pathogenic (PMID: 23807571, 25614872). This variant is not present in population databases (gnomAD no frequency). This variant has not been reported in the literature in individuals affected with ATM-related conditions. ClinVar contains an entry for this variant (Variation ID: 3148112). For these reasons, this variant has been classified as Pathogenic.

Myriad Genetics, Inc.
Classification: Pathogenic for Familial cancer of breast. Last evaluated: 2024-01-30. Review status: criteria provided, single submitter. Criteria: Myriad Autosomal Dominant, Autosomal Recessive and X-Linked Classification Criteria (2023). Collection method: clinical testing. Allele origin: unknown.
Comment: This variant is considered pathogenic. This variant creates a termination codon and is predicted to result in premature protein truncation.

GeneDx
Classification: Pathogenic. Last evaluated: 2023-07-06. Review status: criteria provided, single submitter. Criteria: GeneDx Variant Classification Process June 2021. Collection method: clinical testing. Allele origin: germline. Affected: yes.
Comment: Nonsense variant predicted to result in protein truncation or nonsense mediated decay in a gene for which loss of function is a known mechanism of disease; Not observed at significant frequency in large population cohorts (gnomAD); Truncating variants in this gene are considered pathogenic by a well-established clinical consortium and/or database; Has not been previously published as pathogenic or benign to our knowledge

Literature cited by the submitters: PubMed 23807571 (cited by Labcorp Genetics (formerly Invitae), Labcorp); PubMed 25614872 (cited by Labcorp Genetics (formerly Invitae), Labcorp).